The following is an entry in ClinVar:

NM_000352.6(ABCC8):c.2390+123C>T

Genes: ABCC8 (ATP binding cassette subfamily C member 8; minus strand), LOC110121471 (VISTA enhancer hs1977; plus strand). Cytogenetic location: 11p15.1.
Variant type: single nucleotide variant.
Coding change: c.2390+123C>T on transcript NM_000352.6 (MANE Select); 123 bases into the intron after coding-DNA position 2390, C replaced by T.
Molecular consequence: intron variant.
Genome position (GRCh38, 1-based): chr11:17,414,389, G>A on the plus strand (C>T on the coding strand, the complement: ABCC8 is on the minus strand). VCF-style: chr11-17414389-G-A. GRCh37 (hg19) VCF-style: chr11-17435936-G-A.
Other names: c.2387+123C>T (NM_001351297.2); c.2390+123C>T (NM_001351296.2); c.2456+123C>T (NM_001351295.2); c.2393+123C>T (NM_001287174.3).
Identifiers: ClinVar variation 1177449 (VCV001177449.7), dbSNP rs4148631, ClinGen allele CA13568491.

ClinVar aggregate classification (germline): Conflicting classifications of pathogenicity. Review status: criteria provided, conflicting classifications (1 of 4 stars). 8 submissions from 4 submitters: Uncertain significance (1); Benign (2); Likely benign (5). Last evaluated 2021-07-01.

Conditions:
Diabetes mellitus, permanent neonatal 3. Also called: ABCC8-Related Permanent Neonatal Diabetes Mellitus. Identifiers: MedGen C5394303, MONDO:0030088, OMIM 618857.
Transitory neonatal diabetes mellitus. Also called: Transient neonatal diabetes mellitus. Identifiers: MedGen C0342273, MONDO:0020525, HP:0008255.
Maturity-onset diabetes of the young (MODY). Also called: Maturity onset diabetes mellitus in young. Identifiers: Orphanet 552, MedGen C0342276, MONDO:0018911, HP:0004904.
Diabetes mellitus, transient neonatal, 2 (TNDM2). Identifiers: Orphanet 99886, MedGen C1835887, MONDO:0012480, OMIM 610374. Disease mechanism: loss of function.
Leucine-induced hypoglycemia (LIH). Also called: LEUCINE-SENSITIVE HYPOGLYCEMIA OF INFANCY. Identifiers: MedGen C0271714, MONDO:0009415, OMIM 240800.
Hyperinsulinemic hypoglycemia, familial, 1 (HHF1). Also called: Persistent hyperinsulinemic hypoglycemia of infancy; HYPERINSULINISM, FAMILIAL, WITH PANCREATIC NESIDIOBLASTOSIS; HYPOGLYCEMIA, HYPERINSULINEMIC, OF INFANCY; NESIDIOBLASTOSIS OF PANCREAS; Persistent Hyperinsulinemia Hypoglycemia of Infancy. Identifiers: Orphanet 276575, Orphanet 276598, MedGen C2931832, MONDO:0009734, OMIM 256450.

Allele frequency attached by ClinVar (database versions not stated): gnomAD 0.70926 and 0.71455; TOPMed 0.71638; 1000 Genomes Project 30x 0.74547; 1000 Genomes Project 0.74700; gnomAD exomes 0.75362.
gnomAD v4.1: 1,039,683 of 1,386,800 alleles (75%); highest among the groups gnomAD compares: East Asian, 86%; 392,020 homozygotes.

Submissions (8):

Pars Genome Lab
Classification: Likely benign for Leucine-induced hypoglycemia. Last evaluated: 2021-07-01. Review status: criteria provided, single submitter. Criteria: ACMG Guidelines, 2015. Collection method: clinical testing. Allele origin: germline. Affected: no.

Pars Genome Lab
Classification: Likely benign for Hyperinsulinemic hypoglycemia, familial, 1. Last evaluated: 2021-07-01. Review status: criteria provided, single submitter. Criteria: ACMG Guidelines, 2015. Collection method: clinical testing. Allele origin: germline. Affected: no.

Pars Genome Lab
Classification: Likely benign for Diabetes mellitus, transient neonatal, 2. Last evaluated: 2021-07-01. Review status: criteria provided, single submitter. Criteria: ACMG Guidelines, 2015. Collection method: clinical testing. Allele origin: germline. Affected: no.

Pars Genome Lab
Classification: Likely benign for Diabetes mellitus, permanent neonatal 3. Last evaluated: 2021-07-01. Review status: criteria provided, single submitter. Criteria: ACMG Guidelines, 2015. Collection method: clinical testing. Allele origin: germline. Affected: no.

GeneDx
Classification: Benign. Last evaluated: 2018-08-09. Review status: criteria provided, single submitter. Criteria: GeneDx Variant Classification Process June 2021. Collection method: clinical testing. Allele origin: germline. Affected: yes.

Breakthrough Genomics
Classification: Likely benign. Review status: criteria provided, single submitter. Criteria: ACMG Guidelines, 2015. Collection method: not provided. Allele origin: germline. Inheritance: Autosomal recessive inheritance. Affected: yes.

Clinical Genomics, Uppaluri K&H Personalized Medicine Clinic
Classification: Benign for Maturity-onset diabetes of the young. Review status: criteria provided, single submitter. Criteria: K & H Uppaluri Personalized Medicine Clinic Variant Classification & Assertion Criteria_Updated V.1. Collection method: research. Allele origin: unknown. Inheritance: Autosomal dominant inheritance.
Comment: Mutations in ABCC8 gene are associated with both neonatal diabetes mellitus as well as MODY. Patients with this mutation may have a better response to sulfonylureas. However, no sufficient evidence is found to ascertain the role of this particular variant (rs4148631) in MODY yet.

Clinical Genomics, Uppaluri K&H Personalized Medicine Clinic
Classification: Uncertain significance for Transitory neonatal diabetes mellitus. Review status: criteria provided, single submitter. Criteria: K & H Uppaluri Personalized Medicine Clinic Variant Classification & Assertion Criteria_Updated V.1. Collection method: research. Allele origin: unknown.
Comment: Mutations in ABCC8 gene are associated with both neonatal diabetes mellitus as well as MODY. Patients with this mutation may have a better response to sulfonylureas. However, no sufficient evidence is found to ascertain the role of this particular variant (rs4148631) in neonatal diabetes yet.

Literature cited by the submitters: PubMed 16885549 (cited by Clinical Genomics, Uppaluri K&H Personalized Medicine Clinic); PubMed 21989597 (cited by Clinical Genomics, Uppaluri K&H Personalized Medicine Clinic); PubMed 27538677 (cited by Clinical Genomics, Uppaluri K&H Personalized Medicine Clinic); PubMed 18981553 (cited by Clinical Genomics, Uppaluri K&H Personalized Medicine Clinic); PubMed 32027066 (cited by Clinical Genomics, Uppaluri K&H Personalized Medicine Clinic); PubMed 18025408 (cited by Clinical Genomics, Uppaluri K&H Personalized Medicine Clinic); PubMed 32792356 (cited by Clinical Genomics, Uppaluri K&H Personalized Medicine Clinic).